The following is an entry in ClinVar:

ClinVar aggregate classification (germline): Uncertain significance (1 of 4 stars; one submission).

Conditions:
Familial acute necrotizing encephalopathy (IIAE3). Also called: ENCEPHALOPATHY, ACUTE, INFECTION-INDUCED, SUSCEPTIBILITY TO, 3; Susceptibility to Acute Necrotizing Encephalopathy 1. Identifiers: Orphanet 88619, MedGen C2675556, MONDO:0011953, OMIM 608033.

Allele frequency attached by ClinVar (database versions not stated): gnomAD exomes below 0.00001.
gnomAD v4.1: 6 of 1,609,764 alleles (0.00037%); highest among the groups gnomAD compares: Non-Finnish European, 0.00051%; no homozygotes.

Submission:

Labcorp Genetics (formerly Invitae), Labcorp
Classification: Uncertain significance for Familial acute necrotizing encephalopathy. Last evaluated: 2025-08-28. Review status: criteria provided, single submitter. Criteria: Invitae Variant Classification Sherloc (09022015). Collection method: clinical testing. Allele origin: germline.
Comment: This sequence change replaces isoleucine, which is neutral and non-polar, with threonine, which is neutral and polar, at codon 626 of the RANBP2 protein (p.Ile626Thr). This variant is not present in population databases (gnomAD no frequency). This variant has not been reported in the literature in individuals affected with RANBP2-related conditions. ClinVar contains an entry for this variant (Variation ID: 2190974). An algorithm developed to predict the effect of missense changes on protein structure and function outputs the following: PolyPhen-2: "Benign". The threonine amino acid residue is found in multiple mammalian species, which suggests that this missense change does not adversely affect protein function. In summary, the available evidence is currently insufficient to determine the role of this variant in disease. Therefore, it has been classified as a Variant of Uncertain Significance.

NM_006267.5(RANBP2):c.1877T>C (p.Ile626Thr)

Gene: RANBP2 (RAN binding protein 2; plus strand). Cytogenetic location: 2q13.
Variant type: single nucleotide variant.
Coding change: c.1877T>C on transcript NM_006267.5 (MANE Select); coding-DNA position 1877, T replaced by C.
Protein change: p.Ile626Thr; replaces isoleucine 626 with threonine.
Molecular consequence: missense variant.
Genome position (GRCh38, 1-based): chr2:108,753,119, T>C. VCF-style: chr2-108753119-T-C. GRCh37 (hg19) VCF-style: chr2-109369575-T-C.
Other names: short protein forms I626T.
Identifiers: ClinVar variation 2190974 (VCV002190974.4), dbSNP rs1312379333, ClinGen allele CA348051944.
Genomic context (GRCh38, chr2:108,753,119, plus strand): 5'-GGAAGAAAGTTTTGCCATTGTTGAAGATAATAAAAAAGAAGAACAGTATTCCTGAACCTA[T>C]TGATCCTCTGTTTAAACATTTTCATAGTGTAGACATTCAGGTAACAGAGTTCCTTTATGA-3'
Protein context (NP_006258.3, residues 616-636): IKKKNSIPEP[Ile626Thr]DPLFKHFHSV